The following is an entry in ClinVar:

NM_016464.5(TMEM138):c.301-401A>G

Gene: TMEM138 (transmembrane protein 138; plus strand). Cytogenetic location: 11q12.2.
Variant type: single nucleotide variant.
Coding change: c.301-401A>G on transcript NM_016464.5 (MANE Select); 401 bases into the intron before coding-DNA position 301, A replaced by G.
Molecular consequence: intron variant.
Genome position (GRCh38, 1-based): chr11:61,367,522, A>G. VCF-style: chr11-61367522-A-G. GRCh37 (hg19) VCF-style: chr11-61134994-A-G.
Other names: c.301-401A>G (NM_001441181.1, NM_001410998.1, NM_001410997.1 and 2 more transcripts); c.300+1306A>G (NM_001441182.1); c.127-401A>G (NM_001330281.2).
Identifiers: ClinVar variation 4538347 (VCV004538347.1).

ClinVar aggregate classification (germline): Uncertain significance (1 of 4 stars; one submission).

Submission:

Greenwood Genetic Center Diagnostic Laboratories, Greenwood Genetic Center
Classification: Uncertain significance. Last evaluated: 2025-04-10. Review status: criteria provided, single submitter. Criteria: ACMG Guidelines, 2015. Collection method: clinical testing. Allele origin: germline. Affected: yes.
Comment: PM2, PP3